The following is an entry in ClinVar:

ClinVar aggregate classification (germline): Uncertain significance (1 of 4 stars; one submission).

Conditions:
Idiopathic generalized epilepsy. Also called: Generalised epilepsy; EIG. Identifiers: MedGen C0270850, MONDO:0005579, OMIM 600669.

Submission:

Labcorp Genetics (formerly Invitae), Labcorp
Classification: Uncertain significance for Idiopathic generalized epilepsy. Last evaluated: 2025-02-17. Review status: criteria provided, single submitter. Criteria: Invitae Variant Classification Sherloc (09022015). Collection method: clinical testing. Allele origin: germline.
Comment: This sequence change replaces alanine, which is neutral and non-polar, with glutamic acid, which is acidic and polar, at codon 292 of the RBFOX3 protein (p.Ala292Glu). This variant is not present in population databases (gnomAD no frequency). This variant has not been reported in the literature in individuals affected with RBFOX3-related conditions. Invitae Evidence Modeling of protein sequence and biophysical properties (such as structural, functional, and spatial information, amino acid conservation, physicochemical variation, residue mobility, and thermodynamic stability) indicates that this missense variant is not expected to disrupt RBFOX3 protein function with a negative predictive value of 80%. In summary, the available evidence is currently insufficient to determine the role of this variant in disease. Therefore, it has been classified as a Variant of Uncertain Significance.

NM_001350451.2(RBFOX3):c.1016C>A (p.Ala339Glu)

Gene: RBFOX3 (RNA binding fox-1 homolog 3; minus strand). Cytogenetic location: 17q25.3.
Variant type: single nucleotide variant.
Coding change: c.1016C>A on transcript NM_001350451.2 (MANE Select); coding-DNA position 1016, C replaced by A.
Protein change: p.Ala339Glu; replaces alanine 339 with glutamic acid.
Molecular consequence: missense variant.
Genome position (GRCh38, 1-based): chr17:79,094,512, G>T on the plus strand (C>A on the coding strand, the complement: RBFOX3 is on the minus strand). VCF-style: chr17-79094512-G-T. GRCh37 (hg19) VCF-style: chr17-77090594-G-T.
Other names: c.875C>A, p.Ala292Glu (NM_001082575.3, NM_001350453.2, NM_001385825.1 and 16 more transcripts); c.1016C>A, p.Ala339Glu (NM_001385804.1, NM_001385805.1, NM_001385807.1 and 14 more transcripts); c.1013C>A, p.Ala338Glu (NM_001385806.1, NM_001385822.1, NM_001385823.1); c.923C>A, p.Ala308Glu (NM_001385824.1); c.896C>A, p.Ala299Glu (NM_001385827.1); c.872C>A, p.Ala291Glu (NM_001385843.1, NM_001385844.1, NM_001385845.1 and 1 more transcripts); c.728C>A, p.Ala243Glu (NM_001385847.1); short protein forms A292E, A308E, A291E, A299E, A338E, A243E, A339E.
Identifiers: ClinVar variation 4744306 (VCV004744306.1).